The following is an entry in ClinVar:

ClinVar aggregate classification (germline): Uncertain significance. Review status: criteria provided, multiple submitters, no conflicts (2 of 4 stars). 2 submissions from 2 submitters: Uncertain significance (2). Last evaluated 2024-06-26.

Allele frequency attached by ClinVar (database versions not stated): gnomAD 0.00001; gnomAD exomes 0.00001; TOPMed 0.00001.
gnomAD v4.1: 8 of 1,613,934 alleles (0.0005%); highest among the groups gnomAD compares: Non-Finnish European, 0.00068%; no homozygotes.

Submissions (2):

Ambry Genetics
Classification: Uncertain significance. Last evaluated: 2024-06-26. Review status: criteria provided, single submitter. Criteria: Ambry Variant Classification Scheme 2023. Collection method: clinical testing. Allele origin: germline.

Labcorp Genetics (formerly Invitae), Labcorp
Classification: Uncertain significance. Last evaluated: 2023-11-07. Review status: criteria provided, single submitter. Criteria: Invitae Variant Classification Sherloc (09022015). Collection method: clinical testing. Allele origin: germline.
Comment: This sequence change replaces aspartic acid, which is acidic and polar, with tyrosine, which is neutral and polar, at codon 366 of the CLUAP1 protein (p.Asp366Tyr). This variant is present in population databases (no rsID available, gnomAD 0.002%). This variant has not been reported in the literature in individuals affected with CLUAP1-related conditions. ClinVar contains an entry for this variant (Variation ID: 1055639). Advanced modeling of protein sequence and biophysical properties (such as structural, functional, and spatial information, amino acid conservation, physicochemical variation, residue mobility, and thermodynamic stability) performed at Invitae indicates that this missense variant is not expected to disrupt CLUAP1 protein function with a negative predictive value of 80%. In summary, the available evidence is currently insufficient to determine the role of this variant in disease. Therefore, it has been classified as a Variant of Uncertain Significance.

NM_015041.3(CLUAP1):c.1096G>T (p.Asp366Tyr)

Gene: CLUAP1 (clusterin associated protein 1; plus strand). Cytogenetic location: 16p13.3.
Variant type: single nucleotide variant.
Coding change: c.1096G>T on transcript NM_015041.3 (MANE Select); coding-DNA position 1096, G replaced by T.
Protein change: p.Asp366Tyr; replaces aspartic acid 366 with tyrosine.
Molecular consequence: missense variant.
Genome position (GRCh38, 1-based): chr16:3,536,125, G>T. VCF-style: chr16-3536125-G-T. GRCh37 (hg19) VCF-style: chr16-3586125-G-T.
Other names: c.1096G>T (NM_015041.1); c.1153G>T, p.Asp385Tyr (NM_001330454.2); c.598G>T, p.Asp200Tyr (NM_024793.3); short protein forms D200Y, D366Y, D385Y.
Identifiers: ClinVar variation 1055639 (VCV001055639.11), dbSNP rs1346382844, ClinGen allele CA394516391.